The following is an entry in ClinVar:

ClinVar aggregate classification (germline): Uncertain significance. Review status: criteria provided, multiple submitters, no conflicts (2 of 4 stars). 2 submissions from 2 submitters: Uncertain significance (2). Last evaluated 2025-04-01.

Conditions:
Hereditary nonpolyposis colorectal neoplasms. Identifiers: MedGen C0009405, MeSH D003123.
Hereditary cancer-predisposing syndrome. Also called: Neoplastic Syndromes, Hereditary; Tumor predisposition; Hereditary neoplastic syndrome; Hereditary Cancer Syndrome. Identifiers: Orphanet 140162, MedGen C0027672, MeSH D009386, MONDO:0015356.

Submissions (2):

Labcorp Genetics (formerly Invitae), Labcorp
Classification: Uncertain significance for Hereditary nonpolyposis colorectal neoplasms. Last evaluated: 2025-04-01. Review status: criteria provided, single submitter. Criteria: Invitae Variant Classification Sherloc (09022015). Collection method: clinical testing. Allele origin: germline.
Comment: This sequence change replaces glycine, which is neutral and non-polar, with alanine, which is neutral and non-polar, at codon 779 of the PMS2 protein (p.Gly779Ala). The frequency data for this variant in the population databases (gnomAD) is considered unreliable due to the presence of homologous sequence, such as pseudogenes or paralogs, in the genome. This variant has not been reported in the literature in individuals affected with PMS2-related conditions. ClinVar contains an entry for this variant (Variation ID: 567690). Invitae Evidence Modeling of protein sequence and biophysical properties (such as structural, functional, and spatial information, amino acid conservation, physicochemical variation, residue mobility, and thermodynamic stability) indicates that this missense variant is expected to disrupt PMS2 protein function with a positive predictive value of 80%. Algorithms developed to predict the effect of sequence changes on RNA splicing suggest that this variant may create or strengthen a splice site. In summary, the available evidence is currently insufficient to determine the role of this variant in disease. Therefore, it has been classified as a Variant of Uncertain Significance.

Ambry Genetics
Classification: Uncertain significance for Hereditary cancer-predisposing syndrome. Last evaluated: 2024-04-26. Review status: criteria provided, single submitter. Criteria: Ambry Variant Classification Scheme 2023. Collection method: clinical testing. Allele origin: germline.
Comment: The p.G779A variant (also known as c.2336G>C), located in coding exon 14 of the PMS2 gene, results from a G to C substitution at nucleotide position 2336. The glycine at codon 779 is replaced by alanine, an amino acid with similar properties. This amino acid position is conserved. In addition, this alteration is predicted to be deleterious by in silico analysis. Based on the available evidence, the clinical significance of this variant remains unclear.

NM_000535.7(PMS2):c.2336G>C (p.Gly779Ala)

Gene: PMS2 (PMS1 homolog 2, mismatch repair system component; minus strand). Cytogenetic location: 7p22.1.
Variant type: single nucleotide variant.
Coding change: c.2336G>C on transcript NM_000535.7 (MANE Select); coding-DNA position 2336, G replaced by C.
Protein change: p.Gly779Ala; replaces glycine 779 with alanine.
Molecular consequence: missense variant. On other transcripts: non-coding transcript variant (1).
Genome position (GRCh38, 1-based): chr7:5,977,697, C>G on the plus strand (G>C on the coding strand, the complement: PMS2 is on the minus strand). VCF-style: chr7-5977697-C-G. GRCh37 (hg19) VCF-style: chr7-6017328-C-G.
Other names: c.1931G>C, p.Gly644Ala (NM_001322003.2, NM_001322004.2, NM_001322005.2); c.2180G>C, p.Gly727Ala (NM_001322006.2); c.2018G>C, p.Gly673Ala (NM_001322007.2, NM_001322008.2); c.1964G>C, p.Gly655Ala (NM_001322009.2); c.1775G>C, p.Gly592Ala (NM_001322010.2); c.1403G>C, p.Gly468Ala (NM_001322011.2, NM_001322012.2); c.1763G>C, p.Gly588Ala (NM_001322013.2); c.2369G>C, p.Gly790Ala (NM_001322014.2); and 1 more; short protein forms G779A, G592A, G673A, G727A, G588A, G655A, G676A, G790A.
Identifiers: ClinVar variation 567690 (VCV000567690.9), dbSNP rs1562601675, ClinGen allele CA366735937.